The following is an entry in ClinVar:

NM_001204.7(BMPR2):c.247+248A>G

Gene: BMPR2 (bone morphogenetic protein receptor type 2; plus strand). Cytogenetic location: 2q33.1.
Variant type: single nucleotide variant.
Coding change: c.247+248A>G on transcript NM_001204.7 (MANE Select); 248 bases into the intron after coding-DNA position 247, A replaced by G.
Molecular consequence: intron variant.
Genome position (GRCh38, 1-based): chr2:202,465,227, A>G. VCF-style: chr2-202465227-A-G. GRCh37 (hg19) VCF-style: chr2-203329950-A-G.
Identifiers: ClinVar variation 678684 (VCV000678684.1), dbSNP rs6742403, ClinGen allele CA11326218.

ClinVar aggregate classification (germline): Benign (1 of 4 stars; one submission).

Allele frequency attached by ClinVar (database versions not stated): 1000 Genomes Project 0.03994; 1000 Genomes Project 30x 0.04263; TOPMed 0.07618; gnomAD 0.07877 and 0.08094.
gnomAD v4.1: 12,093 of 152,126 alleles (7.9%); highest among the groups gnomAD compares: Non-Finnish European, 12%; 684 homozygotes.

Submission:

GeneDx
Classification: Benign. Last evaluated: 2018-06-14. Review status: criteria provided, single submitter. Criteria: GeneDx Variant Classification (06012015). Collection method: clinical testing. Allele origin: germline. Affected: yes.
Comment: This variant is considered likely benign or benign based on one or more of the following criteria: it is a conservative change, it occurs at a poorly conserved position in the protein, it is predicted to be benign by multiple in silico algorithms, and/or has population frequency not consistent with disease.